The following is an entry in ClinVar:

NM_000218.3(KCNQ1):c.1124_1127del (p.Ile375fs)

Gene: KCNQ1 (potassium voltage-gated channel subfamily Q member 1; plus strand). Cytogenetic location: 11p15.5.
Variant type: Deletion.
Coding change: c.1124_1127del on transcript NM_000218.3 (MANE Select); coding-DNA positions 1124 to 1127, 4 bases deleted (TTCA; older notation c.1124_1127delTTCA).
Protein change: p.Ile375fs; shifts the reading frame from isoleucine 375.
Molecular consequence: frameshift variant.
Genome position (GRCh38, 1-based): chr11:2,585,303-2,585,306, TTCA deleted; deleting any 4 consecutive bases within chr11:2,585,300-2,585,306 gives the same sequence; the c. name uses the placement nearest the transcript's 3' end. VCF-style (leftmost placement, unchanged base first): chr11-2585299-CTCAT-C. GRCh37 (hg19) VCF-style: chr11-2606529-CTCAT-C.
Other names: c.743_746delTTCA (NM_181798.1); c.1124_1127delTTCA, p.Ile375Argfs (NM_000218.2); c.854_857delTTCA, p.Ile285Argfs (NM_001406837.1); c.743_746delTTCA, p.Ile248Argfs (NM_181798.2); short protein forms I248fs, I375fs.
Identifiers: ClinVar variation 52962 (VCV000052962.32), dbSNP rs397508077, ClinGen allele CA005342.

ClinVar aggregate classification (germline): Pathogenic. Review status: criteria provided, multiple submitters, no conflicts (2 of 4 stars). 15 submissions from 15 submitters: Pathogenic (13). 2 of the submissions do not count toward it. Last evaluated 2026-07-10.

Conditions:
Cardiac arrhythmia. Also called: Cardiac rhythm disease; Arrhythmia. Identifiers: MedGen C0003811, MONDO:0007263, HP:0011675.
KCNQ1-related disorder. Also called: KCNQ1-related disorders; KCNQ1-related condition. Identifiers: MedGen CN239322.
Cardiovascular phenotype. Identifiers: MedGen CN230736.
Long QT syndrome (LQTS). Identifiers: MedGen C0023976, MeSH D008133, MONDO:0002442. Disease mechanism: loss of function. Inheritance: Various modes of inheritance.
Long QT syndrome 1 (LQT1). Identifiers: Orphanet 101016, Orphanet 768, MedGen C4551647, MONDO:0100316, OMIM 192500, MONDO:0008646.

Submissions 1 to 11 of 15:

Institute of Human Genetics, Heidelberg University
Classification: Pathogenic for Long QT syndrome 1. Last evaluated: 2026-07-10. Review status: criteria provided, single submitter. Criteria: ACMG Guidelines, 2015. Collection method: clinical testing. Allele origin: paternal. Observed: 2 variant alleles.
Comment: PVS1, PS4, PM2_supp

Labcorp Genetics (formerly Invitae), Labcorp
Classification: Pathogenic for Long QT syndrome. Last evaluated: 2025-09-16. Review status: criteria provided, single submitter. Criteria: Invitae Variant Classification Sherloc (09022015). Collection method: clinical testing. Allele origin: germline.
Comment: This sequence change creates a premature translational stop signal (p.Ile375Argfs*43) in the KCNQ1 gene. It is expected to result in an absent or disrupted protein product. Loss-of-function variants in KCNQ1 are known to be pathogenic (PMID: 9323054, 19862833). This variant is present in population databases (rs397508077, gnomAD 0.0009%). This premature translational stop signal has been observed in individual(s) with long QT syndrome (PMID: 15840476, 28532774). This variant is also known as del 1124–1127 L374/fs43*, L375RfsX43. ClinVar contains an entry for this variant (Variation ID: 52962). Algorithms developed to predict the effect of sequence changes on RNA splicing suggest that this variant may disrupt the consensus splice site. For these reasons, this variant has been classified as Pathogenic.

GeneDx
Classification: Pathogenic. Last evaluated: 2025-08-26. Review status: criteria provided, single submitter. Criteria: GeneDx Variant Classification Process June 2021. Collection method: clinical testing. Allele origin: germline. Affected: yes.
Comment: Frameshift variant predicted to result in protein truncation or nonsense mediated decay in a gene for which loss-of-function is a known mechanism of disease; Not observed at significant frequency in large population cohorts (gnomAD); This variant is associated with the following publications: (PMID: 30291343, 26669661, 28532774, 28341588, 36721196, 15840476)

Ambry Genetics
Classification: Pathogenic for Cardiovascular phenotype. Last evaluated: 2024-05-28. Review status: criteria provided, single submitter. Criteria: Ambry Variant Classification Scheme 2023. Collection method: clinical testing. Allele origin: germline.
Comment: The c.1124_1127delTTCA (p.I375Rfs*43) alteration, located in exon 8 (coding exon 8) of the KCNQ1 gene, consists of a deletion of 4 nucleotides from position 1124 to 1127, causing a translational frameshift with a predicted alternate stop codon after 43 amino acids. This alteration is expected to result in loss of function by premature protein truncation or nonsense-mediated mRNA decay. Based on data from gnomAD, this allele has an overall frequency of <0.001% (1/251100) total alleles studied. The highest observed frequency was 0.001% (1/113510) of European (non-Finnish) alleles. This variant has been detected in long QT syndrome cohorts and has been reported as L374/fs43 and L375RfsX43 (Tester, 2005; Itoh, 2016; Ebrahim, 2017). Based on the available evidence, this alteration is classified as pathogenic.

Color Diagnostics, LLC DBA Color Health
Classification: Pathogenic for Cardiac arrhythmia. Last evaluated: 2024-04-30. Review status: criteria provided, single submitter. Criteria: ACMG Guidelines, 2015. Collection method: clinical testing. Allele origin: germline.
Comment: This variant causes the deletion of 4 nucleotides in exon 8 of the KCNQ1 gene, creating a frameshift and premature translation stop signal. This variant is expected to result in an absent or non-functional protein product. A functional study has shown that this variant leads to reduced channel current density in transfected CHO cells. Additionally, there was a complete lack of expression of the variant allele in iPSC-CMs (induced pluripotent stem cell-derived cardiomyocytes) from a heterozygous carrier, although RNA expression was maintained in whole-blood derived cDNA from the same individual (PMID: 36721196). This variant has been reported in nine Belgian families presenting with either Jervell-Lange-Nielsen syndrome (JLNS) or long QT syndrome. Among them, two homozygotes were affected with JLNS, four symptomatic heterozygotes experienced syncopes or sudden cardiac death, and six out of 40 heterozygotes exhibited a resting QTc greater than 500 ms (PMID: 36721196). Additionally, this variant has been observed in several individuals affected with or suspected of having long QT syndrome in other cohorts (PMIDs: 15840476, 26669661, 28532774, 32893267, 36721196) and in a healthy individual (PMID: 30291343). This variant has been identified in 1/251100 chromosomes in the general population by the Genome Aggregation Database (gnomAD). Loss of KCNQ1 function is a known mechanism of disease. Based on the available evidence, this variant is classified as Pathogenic.

All of Us Research Program, National Institutes of Health
Classification: Pathogenic for Long QT syndrome. Last evaluated: 2024-03-24. Review status: criteria provided, single submitter. Criteria: ACMG Guidelines, 2015. Collection method: clinical testing. Allele origin: germline. Inheritance: Autosomal dominant inheritance. Observed: 1 variant allele, 1 heterozygote.
Comment: The c.1124_1127del (p.Ile375Argfs*43) variant in the KCNQ1 gene is located in exon 8 and introduces a reading frameshift resulting in premature translational termination codon. This variant is expected to result in an absent or disrupted protein product. Loss-of-function variants in KCNQ1 gene are known to be pathogenic (PMID: 9323054, 19862833). This variant has been reported in multiple individuals with either autosomal dominant long QT syndrome or autosomal recessive Jervell Lange-Nielsen syndrome (PMID: 36721196,15840476, 26669661). This variant is rare (1/251100 chromosomes) in the general population database, gnomAD. ClinVar contains an entry for this variant (ID:52962). Based on the evidence, the c.1124_1127del (p.Ile375Argfs*43) variant in the KCNQ1 gene variant is classified as pathogenic.

This study involves interpretation of variants in research participants for the purpose of population health screening. Participant phenotype was not available at the time of variant classification. Additional details can be found in publication PMID: 35346344, PMCID: PMC8962531

Human Genome Sequencing Center Clinical Lab, Baylor College of Medicine
Classification: Pathogenic for long QT syndrome. Last evaluated: 2023-11-09. Review status: criteria provided, single submitter. Criteria: ACMG Guidelines, 2015. Collection method: clinical testing. Allele origin: unknown.

AiLife Diagnostics
Classification: Pathogenic. Last evaluated: 2022-03-04. Review status: criteria provided, single submitter. Criteria: ACMG Guidelines, 2015. Collection method: clinical testing. Allele origin: germline. Affected: yes. Observed: 1 variant allele.

Blueprint Genetics
Classification: Pathogenic for KCNQ1-related disorders. Last evaluated: 2022-01-14. Review status: criteria provided, single submitter. Criteria: ACMG Guidelines, 2015. Collection method: clinical testing. Allele origin: germline. Affected: yes. Observed: 5 variant alleles.

MVZ Martinsried, Medicover Genetics
Classification: Pathogenic for Long QT syndrome 1. Last evaluated: 2022-01-12. Review status: criteria provided, single submitter. Criteria: ACGS Guidelines, 2020. Collection method: clinical testing. Allele origin: unknown. Affected: yes.

Victorian Clinical Genetics Services, Murdoch Childrens Research Institute
Classification: Pathogenic for Long QT syndrome 1. Last evaluated: 2020-10-19. Review status: criteria provided, single submitter. Criteria: ACMG Guidelines, 2015. Collection method: clinical testing. Allele origin: germline. Affected: yes.
Comment: Based on the classification scheme VCGS_Germline_v1.1.1, this variant is classified as Pathogenic. Following criteria are met: 0103 - Dominant negative, loss of function and gain of function are known mechanisms of disease in this gene. Gain of function mutations result exclusively in Short QT syndrome (MIM#609621), while dominant negative and loss of function mutations can cause Long QT syndrome (LQTS, MIM#192500), atrial fibrillation (MIM#607554) and Jervell and Lange-Nielson syndrome (JLNS, MIM#220400) (OMIM, PMID: 19632626, PMID: 28438721). (N) 0108 - This gene is known to be associated with both recessive and dominant disease. JLNS is a more severe form of LQTS, and is the only condition caused by biallelic mutations (PMID: 28438721). (N) 0112 - The condition associated with this gene has incomplete penetrance (PMID: 20301308, OMIM). (N) 0201 - Variant is predicted to cause nonsense-mediated decay (NMD) and loss of protein (exon 8 of 16). (P) 0251 - Variant is heterozygous. (N) 0302 - Variant is present in gnomAD <0.001 for a dominant condition (1 heterozygote, 0 homozygotes). (P) 0701 - Comparable variants have very strong previous evidence for pathogenicity. Other variants predicted to cause NMD have been reported as pathogenic (ClinVar, Decipher). (P) 0802 - Moderate previous evidence of pathogenicity in unrelated individuals. The variant has been previously reported in patients with LQTS (ClinVar, PMID: 19862833). (P) 1208 - Inheritance information for this variant is not currently available. (N) Legend: (P) - Pathogenic, (N) - Neutral, (B) - Benign